The following is an entry in ClinVar:

NM_001375808.2(LPIN2):c.1457-267dup

Gene: LPIN2 (lipin 2; minus strand). Cytogenetic location: 18p11.31.
Variant type: Duplication.
Coding change: c.1457-267dup on transcript NM_001375808.2 (MANE Select); 267 bases into the intron before coding-DNA position 1457, one base duplicated (T; older notation c.1457-267dupT).
Molecular consequence: intron variant.
Genome position (GRCh38, 1-based): chr18:2,929,418, A duplicated on the plus strand (T on the coding strand, the reverse complement: LPIN2 is on the minus strand); the first of 8 consecutive A bases (chr18:2,929,418-2,929,425); duplicating any one gives the same sequence. VCF-style (leftmost placement, unchanged base first): chr18-2929417-C-CA. GRCh37 (hg19) VCF-style: chr18-2929415-C-CA.
Other names: c.1457-267dup (NM_014646.2, NM_001375809.1); c.1457-260dupT (NM_014646.2).
Identifiers: ClinVar variation 673551 (VCV000673551.1), dbSNP rs201649931, ClinGen allele CA295496562.

ClinVar aggregate classification (germline): Likely benign (1 of 4 stars; one submission).

Submission:

GeneDx
Classification: Likely benign. Last evaluated: 2018-06-16. Review status: criteria provided, single submitter. Criteria: GeneDx Variant Classification (06012015). Collection method: clinical testing. Allele origin: germline. Affected: yes.
Comment: This variant is considered likely benign or benign based on one or more of the following criteria: it is a conservative change, it occurs at a poorly conserved position in the protein, it is predicted to be benign by multiple in silico algorithms, and/or has population frequency not consistent with disease.